The following is an entry in ClinVar:

NM_001384732.1(CPLANE1):c.8198G>C (p.Arg2733Pro)

Gene: CPLANE1 (ciliogenesis and planar polarity effector complex subunit 1; minus strand). Cytogenetic location: 5p13.2.
Variant type: single nucleotide variant.
Coding change: c.8198G>C on transcript NM_001384732.1 (MANE Select); coding-DNA position 8198, G replaced by C.
Protein change: p.Arg2733Pro; replaces arginine 2733 with proline.
Molecular consequence: missense variant.
Genome position (GRCh38, 1-based): chr5:37,153,915, C>G on the plus strand (G>C on the coding strand, the complement: CPLANE1 is on the minus strand). VCF-style: chr5-37153915-C-G. GRCh37 (hg19) VCF-style: chr5-37154017-C-G.
Other names: c.8036G>C, p.Arg2679Pro (NM_023073.4); short protein forms R2679P, R2733P.
Identifiers: ClinVar variation 1514199 (VCV001514199.8), dbSNP rs748207149, ClinGen allele CA359474157.

ClinVar aggregate classification (germline): Uncertain significance (1 of 4 stars; one submission).

Submission:

Labcorp Genetics (formerly Invitae), Labcorp
Classification: Uncertain significance. Last evaluated: 2022-07-05. Review status: criteria provided, single submitter. Criteria: Invitae Variant Classification Sherloc (09022015). Collection method: clinical testing. Allele origin: germline.
Comment: This variant has not been reported in the literature in individuals affected with CPLANE1-related conditions. In summary, the available evidence is currently insufficient to determine the role of this variant in disease. Therefore, it has been classified as a Variant of Uncertain Significance. Advanced modeling of protein sequence and biophysical properties (such as structural, functional, and spatial information, amino acid conservation, physicochemical variation, residue mobility, and thermodynamic stability) performed at Invitae indicates that this missense variant is not expected to disrupt CPLANE1 protein function. ClinVar contains an entry for this variant (Variation ID: 1514199). This variant is not present in population databases (gnomAD no frequency). This sequence change replaces arginine, which is basic and polar, with proline, which is neutral and non-polar, at codon 2679 of the CPLANE1 protein (p.Arg2679Pro).